The following is an entry in ClinVar:

ClinVar aggregate classification (germline): Conflicting classifications of pathogenicity. Review status: criteria provided, conflicting classifications (1 of 4 stars). 2 submissions from 2 submitters: Likely pathogenic (1); Uncertain significance (1). Last evaluated 2026-04-03.

Conditions:
Hereditary cancer-predisposing syndrome. Also called: Hereditary neoplastic syndrome; Neoplastic Syndromes, Hereditary; Hereditary Cancer Syndrome; Tumor predisposition. Identifiers: Orphanet 140162, MedGen C0027672, MeSH D009386, MONDO:0015356.
Pheochromocytoma. Also called: MAX-Related Hereditary Paraganglioma-Pheochromocytoma Syndrome. Identifiers: Orphanet 29072, MedGen C0031511, MONDO:0008233, OMIM 171300, HP:0002666.
Gastrointestinal stromal tumor. Also called: Gastrointestinal stromal tumor, somatic; Gastrointestinal stroma tumor. Identifiers: Orphanet 44890, MedGen C0238198, MeSH D046152, MONDO:0011719, OMIM 606764, HP:0100723.
Pheochromocytoma/paraganglioma syndrome 4. Also called: SDHB-Related Hereditary Paraganglioma-Pheochromocytoma Syndrome; PARAGANGLIOMA, FAMILIAL MALIGNANT; PARAGANGLIOMAS, HEREDITARY EXTRAADRENAL; PHEOCHROMOCYTOMA, FAMILIAL EXTRAADRENAL; Paragangliomas 4; CAROTID BODY TUMORS AND MULTIPLE EXTRAADRENAL PHEOCHROMOCYTOMAS. Identifiers: Orphanet 29072, MedGen C1861848, MONDO:0007273, OMIM 115310.

Submissions (2):

Ambry Genetics
Classification: Likely pathogenic for Hereditary cancer-predisposing syndrome. Last evaluated: 2026-04-03. Review status: criteria provided, single submitter. Criteria: Ambry Variant Classification Scheme 2023. Collection method: clinical testing. Allele origin: germline.
Comment: The p.P141R variant (also known as c.422C>G), located in coding exon 4 of the SDHB gene, results from a C to G substitution at nucleotide position 422. The proline at codon 141 is replaced by arginine, an amino acid with dissimilar properties. This variant was reported in individual(s) with features consistent with SDHB-related hereditary pheochromocytoma-paraganglioma (Lee S et al. J Clin Invest, 2026 Feb;136; Ambry internal data). This amino acid position is highly conserved in available vertebrate species. In addition, this alteration is predicted to be deleterious by in silico analysis. Based on the majority of available evidence to date, this variant is likely to be pathogenic.

Labcorp Genetics (formerly Invitae), Labcorp
Classification: Uncertain significance for Gastrointestinal stromal tumor; Pheochromocytoma/paraganglioma syndrome 4; Pheochromocytoma. Last evaluated: 2025-08-08. Review status: criteria provided, single submitter. Criteria: Invitae Variant Classification Sherloc (09022015). Collection method: clinical testing. Allele origin: germline.
Comment: This sequence change replaces proline, which is neutral and non-polar, with arginine, which is basic and polar, at codon 141 of the SDHB protein (p.Pro141Arg). This variant is not present in population databases (gnomAD no frequency). This variant has not been reported in the literature in individuals affected with SDHB-related conditions. ClinVar contains an entry for this variant (Variation ID: 528725). An algorithm developed to predict the effect of missense changes on protein structure and function (PolyPhen-2) suggests that this variant is likely to be disruptive. In summary, the available evidence is currently insufficient to determine the role of this variant in disease. Therefore, it has been classified as a Variant of Uncertain Significance.

Literature cited by the submitters: PubMed 41252211 (cited by Ambry Genetics).

NM_003000.3(SDHB):c.422C>G (p.Pro141Arg)

Gene: SDHB (succinate dehydrogenase complex iron sulfur subunit B; minus strand). Cytogenetic location: 1p36.13.
Variant type: single nucleotide variant.
Coding change: c.422C>G on transcript NM_003000.3 (MANE Select); coding-DNA position 422, C replaced by G.
Protein change: p.Pro141Arg; replaces proline 141 with arginine.
Molecular consequence: missense variant.
Genome position (GRCh38, 1-based): chr1:17,028,601, G>C on the plus strand (C>G on the coding strand, the complement: SDHB is on the minus strand). VCF-style: chr1-17028601-G-C. GRCh37 (hg19) VCF-style: chr1-17355096-G-C.
Other names: short protein forms P141R.
Identifiers: ClinVar variation 528725 (VCV000528725.10), dbSNP rs1553177734, ClinGen allele CA338273808.